The following is an entry in ClinVar:

NM_002528.7(NTHL1):c.700G>T (p.Val234Leu)

Gene: NTHL1 (nth like DNA glycosylase 1; minus strand). Cytogenetic location: 16p13.3.
Variant type: single nucleotide variant.
Coding change: c.700G>T on transcript NM_002528.7 (MANE Select); coding-DNA position 700, G replaced by T.
Protein change: p.Val234Leu; replaces valine 234 with leucine.
Molecular consequence: missense variant.
Genome position (GRCh38, 1-based): chr16:2,040,224, C>A on the plus strand (G>T on the coding strand, the complement: NTHL1 is on the minus strand). VCF-style: chr16-2040224-C-A. GRCh37 (hg19) VCF-style: chr16-2090225-C-A.
Other names: c.529G>T, p.Val177Leu (NM_001318193.2); c.370G>T, p.Val124Leu (NM_001318194.2); short protein forms V124L, V177L, V234L.
Identifiers: ClinVar variation 1757916 (VCV001757916.4), dbSNP rs1596216485, ClinGen allele CA394289305.

ClinVar aggregate classification (germline): Uncertain significance. Review status: criteria provided, multiple submitters, no conflicts (2 of 4 stars). 2 submissions from 2 submitters: Uncertain significance (2). Last evaluated 2024-04-07.

Conditions:
Hereditary cancer-predisposing syndrome. Also called: Neoplastic Syndromes, Hereditary; Tumor predisposition; Hereditary Cancer Syndrome; Hereditary neoplastic syndrome. Identifiers: Orphanet 140162, MedGen C0027672, MeSH D009386, MONDO:0015356.

Submissions (2):

Labcorp Genetics (formerly Invitae), Labcorp
Classification: Uncertain significance. Last evaluated: 2024-04-07. Review status: criteria provided, single submitter. Criteria: Invitae Variant Classification Sherloc (09022015). Collection method: clinical testing. Allele origin: germline.
Comment: This sequence change replaces valine, which is neutral and non-polar, with leucine, which is neutral and non-polar, at codon 242 of the NTHL1 protein (p.Val242Leu). This variant is not present in population databases (gnomAD no frequency). This variant has not been reported in the literature in individuals affected with NTHL1-related conditions. ClinVar contains an entry for this variant (Variation ID: 1757916). An algorithm developed to predict the effect of missense changes on protein structure and function (PolyPhen-2) suggests that this variant is likely to be disruptive. In summary, the available evidence is currently insufficient to determine the role of this variant in disease. Therefore, it has been classified as a Variant of Uncertain Significance.

Ambry Genetics
Classification: Uncertain significance for Hereditary cancer-predisposing syndrome. Last evaluated: 2021-08-12. Review status: criteria provided, single submitter. Criteria: Ambry Variant Classification Scheme 2023. Collection method: clinical testing. Allele origin: germline.
Comment: The p.V242L variant (also known as c.724G>T), located in coding exon 5 of the NTHL1 gene, results from a G to T substitution at nucleotide position 724. The valine at codon 242 is replaced by leucine, an amino acid with highly similar properties. This amino acid position is conserved. In addition, this alteration is predicted to be deleterious by in silico analysis. Since supporting evidence is limited at this time, the clinical significance of this alteration remains unclear.